The following is an entry in ClinVar:

ClinVar aggregate classification (germline): Conflicting classifications of pathogenicity. Review status: criteria provided, conflicting classifications (1 of 4 stars). 5 submissions from 5 submitters: Uncertain significance (3); Likely benign (1). 1 of the submissions does not count toward it. Last evaluated 2026-01-20.

Conditions:
Hereditary cancer-predisposing syndrome. Also called: Tumor predisposition; Neoplastic Syndromes, Hereditary; Hereditary Cancer Syndrome; Hereditary neoplastic syndrome. Identifiers: Orphanet 140162, MedGen C0027672, MeSH D009386, MONDO:0015356.
Hereditary breast ovarian cancer syndrome. Also called: Hereditary breast and ovarian cancer; Hereditary breast and ovarian cancer syndrome (HBOC); Hereditary breast and/or ovarian cancer syndrome; Breast and ovarian cancer; Hereditary breast and ovarian cancer syndrome; BRCA1- and BRCA2-Associated Hereditary Breast and Ovarian Cancer. Identifiers: Orphanet 145, MedGen C0677776, MeSH D061325, MONDO:0003582. Disease mechanism: loss of function.
Breast-ovarian cancer, familial, susceptibility to, 2 (BROVCA2). Also called: BRCA2 Hereditary Breast and Ovarian Cancer. Identifiers: Orphanet 145, MedGen C2675520, MONDO:0012933, OMIM 612555. Disease mechanism: loss of function.

Allele frequency attached by ClinVar (database versions not stated): TOPMed below 0.00001.

Submissions (5):

Labcorp Genetics (formerly Invitae), Labcorp
Classification: Uncertain significance for Hereditary breast ovarian cancer syndrome. Last evaluated: 2026-01-20. Review status: criteria provided, single submitter. Criteria: Invitae Variant Classification Sherloc (09022015). Collection method: clinical testing. Allele origin: germline.
Comment: This sequence change replaces lysine, which is basic and polar, with arginine, which is basic and polar, at codon 3104 of the BRCA2 protein (p.Lys3104Arg). This variant is not present in population databases (gnomAD no frequency). This variant has not been reported in the literature in individuals affected with BRCA2-related conditions. ClinVar contains an entry for this variant (Variation ID: 417626). Invitae Evidence Modeling of protein sequence and biophysical properties (such as structural, functional, and spatial information, amino acid conservation, physicochemical variation, residue mobility, and thermodynamic stability) indicates that this missense variant is not expected to disrupt BRCA2 protein function with a negative predictive value of 95%. In summary, the available evidence is currently insufficient to determine the role of this variant in disease. Therefore, it has been classified as a Variant of Uncertain Significance.

Ambry Genetics
Classification: Likely benign for Hereditary cancer-predisposing syndrome. Last evaluated: 2025-05-15. Review status: criteria provided, single submitter. Criteria: Ambry Variant Classification Scheme 2023. Collection method: clinical testing. Allele origin: germline.

Mendelics
Classification: Uncertain significance. Last evaluated: 2022-05-04. Review status: criteria provided, single submitter. Criteria: Mendelics Assertion Criteria 2019. Collection method: clinical testing. Allele origin: germline.

GeneDx
Classification: Uncertain significance. Last evaluated: 2020-04-03. Review status: criteria provided, single submitter. Criteria: GeneDx Variant Classification Process June 2021. Collection method: clinical testing. Allele origin: germline. Affected: yes.
Comment: Not observed in large population cohorts (Lek 2016); In silico analysis supports that this missense variant does not alter protein structure/function; Has not been previously published as pathogenic or benign to our knowledge

MVZ Praenatalmedizin und Genetik Nuernberg
Classification: Uncertain significance for Breast-ovarian cancer, familial, susceptibility to, 2. Last evaluated: 2017-02-01. Review status: no assertion criteria provided. Collection method: clinical testing. Allele origin: unknown. Inheritance: Autosomal dominant inheritance. Affected: yes. Observed: 1 variant allele, 1 heterozygote. Not counted in ClinVar's aggregate classification.
Comment: Rare variant (ExAC: no entry). Different in silico analyses show contradicting results.

NM_000059.4(BRCA2):c.9311A>G (p.Lys3104Arg)

Gene: BRCA2 (BRCA2 DNA repair associated; plus strand). Cytogenetic location: 13q13.1.
Variant type: single nucleotide variant.
Coding change: c.9311A>G on transcript NM_000059.4 (MANE Select); coding-DNA position 9311, A replaced by G.
Protein change: p.Lys3104Arg; replaces lysine 3104 with arginine.
Molecular consequence: missense variant.
Genome position (GRCh38, 1-based): chr13:32,394,743, A>G. VCF-style: chr13-32394743-A-G. GRCh37 (hg19) VCF-style: chr13-32968880-A-G.
Other names: short protein forms K3104R.
Identifiers: ClinVar variation 417626 (VCV000417626.19), dbSNP rs956554593, ClinGen allele CA16616711.